The following is an entry in ClinVar:

ClinVar aggregate classification (germline): Likely benign (0 of 4 stars; one submission).

Conditions:
DNAJC3-related disorder. Also called: DNAJC3-related condition.

Allele frequency attached by ClinVar (database versions not stated): gnomAD 0.00017; ExAC 0.00018; 1000 Genomes Project 30x 0.00234; 1000 Genomes Project 0.00260.
gnomAD v4.1: 104 of 1,613,352 alleles (0.0064%); highest among the groups gnomAD compares: East Asian, 0.21%; 1 homozygote.

Submission:

PreventionGenetics, part of Exact Sciences
Classification: Likely benign for DNAJC3-related condition. Last evaluated: 2022-02-21. Review status: no assertion criteria provided. Collection method: clinical testing. Allele origin: germline.
Comment: This variant is classified as likely benign based on ACMG/AMP sequence variant interpretation guidelines (Richards et al. 2015 PMID: 25741868, with internal and published modifications).

NM_006260.5(DNAJC3):c.1323T>A (p.Asp441Glu)

Gene: DNAJC3 (DnaJ heat shock protein family (Hsp40) member C3; plus strand). Cytogenetic location: 13q32.1.
Variant type: single nucleotide variant.
Coding change: c.1323T>A on transcript NM_006260.5 (MANE Select); coding-DNA position 1323, T replaced by A.
Protein change: p.Asp441Glu; replaces aspartic acid 441 with glutamic acid.
Molecular consequence: missense variant.
Genome position (GRCh38, 1-based): chr13:95,787,121, T>A. VCF-style: chr13-95787121-T-A. GRCh37 (hg19) VCF-style: chr13-96439375-T-A.
Other names: short protein forms D441E.
Identifiers: ClinVar variation 3051786 (VCV003051786.2), dbSNP rs185832840, ClinGen allele CA7021574.
Genomic context (GRCh38, chr13:95,787,121, plus strand): 5'-GCACCCAGATAACTTCCAGAATGAAGAAGAAAAGAAAAAAGCTGAGAAAAAGTTCATTGA[T>A]ATAGCAGCTGCTAAAGAAGTCCTCTCTGATCCAGGTATTATTAGCTTTTATTCCTTTGAC-3'
Protein context (NP_006251.1, residues 431-451): EKKKAEKKFI[Asp441Glu]IAAAKEVLSD